The following is an entry in ClinVar:

NM_001844.5(COL2A1):c.3111+2T>C

Gene: COL2A1 (collagen type II alpha 1 chain; minus strand). Cytogenetic location: 12q13.11.
Variant type: single nucleotide variant.
Coding change: c.3111+2T>C on transcript NM_001844.5 (MANE Select); the canonical splice donor site of the intron after coding-DNA position 3111, T replaced by C.
Molecular consequence: splice donor variant.
Genome position (GRCh38, 1-based): chr12:47,978,008, A>G on the plus strand (T>C on the coding strand, the complement: COL2A1 is on the minus strand). VCF-style: chr12-47978008-A-G. GRCh37 (hg19) VCF-style: chr12-48371791-A-G.
Other names: c.2904+2T>C (NM_033150.3).
Identifiers: ClinVar variation 977312 (VCV000977312.5), dbSNP rs1938818395, ClinGen allele CA384540605.

ClinVar aggregate classification (germline): Pathogenic (0 of 4 stars; one submission).

Conditions:
Type 2 collagenopathy. Identifiers: Orphanet 93421, MedGen C2931073, MONDO:0022800.

Submission:

Centre of Medical Genetics, University of Antwerp
Classification: Pathogenic for type 2 collagenopathy. Last evaluated: 2020-04-07. Review status: no assertion criteria provided. Collection method: clinical testing. Allele origin: inherited. Inheritance: Autosomal recessive inheritance. Affected: yes. Observed: 2 variant alleles, 2 homozygotes.
Comment: Both siblings were homozygous for a c.3111+2T>C splice site variant in the COL2A1 gene. cDNA analysis performed on skin fibroblasts from the affected sibs revealed the co-occurrence of the wild-type transcript and an aberrant splice product, the latter believed to be degraded by nonsense-mediated mRNA decay. The parents who were heterozygous for this variant were phenotypically normal. This paper confirms that type 2 collagenopathies can show an autosomal recessive inheritance.